The following is an entry in ClinVar:

ClinVar aggregate classification (germline): Uncertain significance (1 of 4 stars; one submission).

Conditions:
Hereditary cancer-predisposing syndrome. Also called: Neoplastic Syndromes, Hereditary; Tumor predisposition; Hereditary Cancer Syndrome; Hereditary neoplastic syndrome. Identifiers: Orphanet 140162, MedGen C0027672, MeSH D009386, MONDO:0015356.

Submission:

Ambry Genetics
Classification: Uncertain significance for Hereditary cancer-predisposing syndrome. Last evaluated: 2024-10-17. Review status: criteria provided, single submitter. Criteria: Ambry Variant Classification Scheme 2023. Collection method: clinical testing. Allele origin: germline.
Comment: The p.D669V variant (also known as c.2006A>T), located in coding exon 14 of the PTCH1 gene, results from an A to T substitution at nucleotide position 2006. The aspartic acid at codon 669 is replaced by valine, an amino acid with highly dissimilar properties. This amino acid position is conserved. In addition, this alteration is predicted to be deleterious by in silico analysis. Based on the available evidence, the clinical significance of this variant remains unclear.

NM_000264.5(PTCH1):c.2006A>T (p.Asp669Val)

Genes: PTCH1 (patched 1; minus strand), LOC100507346 (uncharacterized LOC100507346; plus strand). Cytogenetic location: 9q22.32.
Variant type: single nucleotide variant.
Coding change: c.2006A>T on transcript NM_000264.5 (MANE Select); coding-DNA position 2006, A replaced by T.
Protein change: p.Asp669Val; replaces aspartic acid 669 with valine.
Molecular consequence: missense variant. On other transcripts: non-coding transcript variant (2).
Genome position (GRCh38, 1-based): chr9:95,468,995, T>A on the plus strand (A>T on the coding strand, the complement: PTCH1 is on the minus strand). VCF-style: chr9-95468995-T-A. GRCh37 (hg19) VCF-style: chr9-98231277-T-A.
Other names: c.1808A>T, p.Asp603Val (NM_001083602.3); c.2003A>T, p.Asp668Val (NM_001083603.3); c.1553A>T, p.Asp518Val (NM_001083604.3, NM_001083605.3, NM_001083606.3 and 1 more transcripts); c.1850A>T, p.Asp617Val (NM_001354918.2); short protein forms D617V, D603V, D518V, D668V, D669V.
Identifiers: ClinVar variation 3427302 (VCV003427302.1).